The following is an entry in ClinVar:

ClinVar aggregate classification (germline): Uncertain significance (1 of 4 stars; one submission).

Allele frequency attached by ClinVar (database versions not stated): gnomAD exomes below 0.00001.

Submission:

Labcorp Genetics (formerly Invitae), Labcorp
Classification: Uncertain significance. Last evaluated: 2024-02-09. Review status: criteria provided, single submitter. Criteria: Invitae Variant Classification Sherloc (09022015). Collection method: clinical testing. Allele origin: germline.
Comment: This sequence change creates a premature translational stop signal (p.Leu391Serfs*24) in the GABRA2 gene. While this is not anticipated to result in nonsense mediated decay, it is expected to disrupt the last 121 amino acid(s) of the GABRA2 protein. This variant is not present in population databases (gnomAD no frequency). This variant has not been reported in the literature in individuals affected with GABRA2-related conditions. ClinVar contains an entry for this variant (Variation ID: 1973424). Experimental studies and prediction algorithms are not available or were not evaluated, and the functional significance of this variant is currently unknown. In summary, the available evidence is currently insufficient to determine the role of this variant in disease. Therefore, it has been classified as a Variant of Uncertain Significance.

NM_000807.4(GABRA2):c.1060-5659_1060-5658insC

Gene: GABRA2 (gamma-aminobutyric acid type A receptor subunit alpha2; minus strand). Cytogenetic location: 4p12.
Variant type: Insertion.
Coding change: c.1060-5659_1060-5658insC on transcript NM_000807.4 (MANE Select); 5659 bases into the intron before coding-DNA position 1060 through 5658 bases into the intron before coding-DNA position 1060, C inserted.
Molecular consequence: intron variant. On other transcripts: frameshift variant (4).
Genome position: GRCh38 VCF-style: chr4-46256262-A-AG. GRCh37 (hg19) VCF-style: chr4-46258279-A-AG.
Other names: c.1006_1007insC, p.Leu336fs (NM_001286827.3); c.1171_1172insC, p.Leu391fs (NM_001330690.2, NM_001377144.1, NM_001377145.1); c.895-5659_895-5658insC (NM_001377154.1, NM_001377152.1, NM_001377153.1); c.1060-5659_1060-5658insC (NM_001377146.1, NM_001377150.1, NM_001377147.1 and 4 more transcripts); short protein forms L391fs, L336fs.
Identifiers: ClinVar variation 1973424 (VCV001973424.5), dbSNP rs1715806652, ClinGen allele CA1454753272.
Genomic context (GRCh38, chr4:46,256,262, plus strand): 5'-TGTTTGAAGGTTAAACAGTCCATCCACTTCTCTAAGTACTCTAAAGTCTTTTCTTGGAAT[A>AG]AACTGGGCCATGAGAAAGCTATATACTTGGACCATATTAGCTTAGCTCCTTGAAGAATTG-3'